The following is an entry in ClinVar:

NM_001876.4(CPT1A):c.524C>T (p.Pro175Leu)

Gene: CPT1A (carnitine palmitoyltransferase 1A; minus strand). Cytogenetic location: 11q13.3.
Variant type: single nucleotide variant.
Coding change: c.524C>T on transcript NM_001876.4 (MANE Select); coding-DNA position 524, C replaced by T.
Protein change: p.Pro175Leu; replaces proline 175 with leucine.
Molecular consequence: missense variant.
Genome position (GRCh38, 1-based): chr11:68,804,031, G>A on the plus strand (C>T on the coding strand, the complement: CPT1A is on the minus strand). VCF-style: chr11-68804031-G-A. GRCh37 (hg19) VCF-style: chr11-68571499-G-A.
Other names: c.524C>T, p.Pro175Leu (NM_001031847.3); short protein forms P175L.
Identifiers: ClinVar variation 1371399 (VCV001371399.5), dbSNP rs561244283, ClinGen allele CA6152636.

ClinVar aggregate classification (germline): Uncertain significance (1 of 4 stars; one submission).

Conditions:
Carnitine palmitoyl transferase 1A deficiency. Also called: CPT I DEFICIENCY; CPT DEFICIENCY, HEPATIC, TYPE I; Carnitine palmitoyltransferase 1A deficiency; CPT deficiency, hepatic, type IA; Carnitine palmitoyltransferase type I deficiency. Identifiers: Orphanet 156, MedGen C1829703, MONDO:0009705, OMIM 255120.

Allele frequency attached by ClinVar (database versions not stated): TOPMed 0.00001; gnomAD 0.00002.
gnomAD v4.1: 33 of 1,613,916 alleles (0.002%); highest among the groups gnomAD compares: South Asian, 0.021%; no homozygotes.

Submission:

Labcorp Genetics (formerly Invitae), Labcorp
Classification: Uncertain significance for Carnitine palmitoyl transferase 1A deficiency. Last evaluated: 2022-07-30. Review status: criteria provided, single submitter. Criteria: Invitae Variant Classification Sherloc (09022015). Collection method: clinical testing. Allele origin: germline.
Comment: This sequence change replaces proline, which is neutral and non-polar, with leucine, which is neutral and non-polar, at codon 175 of the CPT1A protein (p.Pro175Leu). This variant is present in population databases (rs561244283, gnomAD 0.03%). This variant has not been reported in the literature in individuals affected with CPT1A-related conditions. ClinVar contains an entry for this variant (Variation ID: 1371399). Algorithms developed to predict the effect of missense changes on protein structure and function (SIFT, PolyPhen-2, Align-GVGD) all suggest that this variant is likely to be disruptive. In summary, the available evidence is currently insufficient to determine the role of this variant in disease. Therefore, it has been classified as a Variant of Uncertain Significance.